The following is an entry in ClinVar:

ClinVar aggregate classification (germline): Uncertain significance. Review status: criteria provided, multiple submitters, no conflicts (2 of 4 stars). 2 submissions from 2 submitters: Uncertain significance (2). Last evaluated 2025-06-24.

Conditions:
3-hydroxy-3-methylglutaryl-CoA synthase deficiency (HMGCS2D). Also called: HMGCS2 DEFICIENCY; MITOCHONDRIAL HMG-CoA SYNTHASE DEFICIENCY; HMG-CoA synthase-2 deficiency. Identifiers: Orphanet 35701, MedGen C2751532, MONDO:0011614, OMIM 605911.
Inborn genetic diseases. Identifiers: MedGen C0950123, MeSH D030342.

Allele frequency attached by ClinVar (database versions not stated): gnomAD exomes below 0.00001 and 0.00001; ExAC 0.00001.
gnomAD v4.1: 9 of 1,614,054 alleles (0.00056%); highest among the groups gnomAD compares: East Asian, 0.0045%; no homozygotes.

Submissions (2):

Ambry Genetics
Classification: Uncertain significance for Inborn genetic diseases. Last evaluated: 2025-06-24. Review status: criteria provided, single submitter. Criteria: Ambry Variant Classification Scheme 2023. Collection method: clinical testing. Allele origin: germline.

Labcorp Genetics (formerly Invitae), Labcorp
Classification: Uncertain significance for 3-hydroxy-3-methylglutaryl-CoA synthase deficiency. Last evaluated: 2020-11-04. Review status: criteria provided, single submitter. Criteria: Invitae Variant Classification Sherloc (09022015). Collection method: clinical testing. Allele origin: germline.
Comment: This sequence change replaces arginine with glutamine at codon 452 of the HMGCS2 protein (p.Arg452Gln). The arginine residue is highly conserved and there is a small physicochemical difference between arginine and glutamine. In summary, the available evidence is currently insufficient to determine the role of this variant in disease. Therefore, it has been classified as a Variant of Uncertain Significance. Algorithms developed to predict the effect of missense changes on protein structure and function (SIFT, PolyPhen-2, Align-GVGD) all suggest that this variant is likely to be disruptive, but these predictions have not been confirmed by published functional studies and their clinical significance is uncertain. This variant has not been reported in the literature in individuals with HMGCS2-related conditions. This variant is present in population databases (rs770800317, ExAC no frequency).

NM_005518.4(HMGCS2):c.1355G>A (p.Arg452Gln)

Gene: HMGCS2 (3-hydroxy-3-methylglutaryl-CoA synthase 2; minus strand). Cytogenetic location: 1p12.
Variant type: single nucleotide variant.
Coding change: c.1355G>A on transcript NM_005518.4 (MANE Select); coding-DNA position 1355, G replaced by A.
Protein change: p.Arg452Gln; replaces arginine 452 with glutamine.
Molecular consequence: missense variant.
Genome position (GRCh38, 1-based): chr1:119,752,614, C>T on the plus strand (G>A on the coding strand, the complement: HMGCS2 is on the minus strand). VCF-style: chr1-119752614-C-T. GRCh37 (hg19) VCF-style: chr1-120295237-C-T.
Other names: c.1229G>A, p.Arg410Gln (NM_001166107.1); c.1355G>A (NM_005518.3); short protein forms R452Q, R410Q.
Identifiers: ClinVar variation 1439515 (VCV001439515.10), dbSNP rs770800317, ClinGen allele CA1037575.